The following is an entry in ClinVar:

ClinVar aggregate classification (germline): Uncertain significance. Review status: criteria provided, multiple submitters, no conflicts (2 of 4 stars). 4 submissions from 4 submitters: Uncertain significance (4). Last evaluated 2024-12-12.

Conditions:
Familial adenomatous polyposis 1 (FAP1). Also called: POLYPOSIS, ADENOMATOUS INTESTINAL; FAMILIAL ADENOMATOUS POLYPOSIS 1, ATTENUATED. Identifiers: MedGen C2713442, MONDO:0021056, OMIM 175100. Disease mechanism: loss of function.
Classic or attenuated familial adenomatous polyposis. Identifiers: MedGen CN372698, MONDO:0021057.
Hereditary cancer-predisposing syndrome. Also called: Hereditary Cancer Syndrome; Neoplastic Syndromes, Hereditary; Tumor predisposition; Hereditary neoplastic syndrome. Identifiers: Orphanet 140162, MedGen C0027672, MeSH D009386, MONDO:0015356.

Allele frequency attached by ClinVar (database versions not stated): TOPMed below 0.00001; ExAC 0.00001; gnomAD 0.00001; gnomAD exomes 0.00001.
gnomAD v4.1: 16 of 1,612,790 alleles (0.00099%); highest among the groups gnomAD compares: Non-Finnish European, 0.0013%; no homozygotes.

Submissions (4):

Ambry Genetics
Classification: Uncertain significance for Hereditary cancer-predisposing syndrome. Last evaluated: 2024-12-12. Review status: criteria provided, single submitter. Criteria: Ambry Variant Classification Scheme 2023. Collection method: clinical testing. Allele origin: germline.
Comment: The p.E1155K variant (also known as c.3463G>A), located in coding exon 15 of the APC gene, results from a G to A substitution at nucleotide position 3463. The glutamic acid at codon 1155 is replaced by lysine, an amino acid with similar properties. This amino acid position is highly conserved in available vertebrate species. In addition, in silico predictors for this gene do not accurately predict pathogenicity. Missense alterations in APC are not a common cause of disease (Spier I et al. Genet Med. 2024 Feb;26(2):100992). Based on the available evidence, the clinical significance of this variant remains unclear.

All of Us Research Program, National Institutes of Health
Classification: Uncertain significance for Classic or attenuated familial adenomatous polyposis. Last evaluated: 2024-08-30. Review status: criteria provided, single submitter. Criteria: ACMG Guidelines, 2015. Collection method: clinical testing. Allele origin: germline. Inheritance: Autosomal dominant inheritance. Observed: 1 variant allele, 1 heterozygote.
Comment: This missense variant replaces glutamic acid with lysine at codon 1155 of the APC protein. Computational prediction is inconclusive regarding the impact of this variant on protein structure and function (internally defined REVEL score threshold 0.5 < inconclusive < 0.7, PMID: 27666373). To our knowledge, functional studies have not been reported for this variant. This variant has not been reported in individuals affected with hereditary cancer in the literature. This variant has been identified in 2/250466 chromosomes in the general population by the Genome Aggregation Database (gnomAD). The available evidence is insufficient to determine the role of this variant in disease conclusively. Therefore, this variant is classified as a Variant of Uncertain Significance.

This study involves interpretation of variants in research participants for the purpose of population health screening. Participant phenotype was not available at the time of variant classification. Additional details can be found in publication PMID: 35346344, PMCID: PMC8962531

Labcorp Genetics (formerly Invitae), Labcorp
Classification: Uncertain significance for Familial adenomatous polyposis 1. Last evaluated: 2024-02-05. Review status: criteria provided, single submitter. Criteria: Invitae Variant Classification Sherloc (09022015). Collection method: clinical testing. Allele origin: germline.
Comment: This sequence change replaces glutamic acid, which is acidic and polar, with lysine, which is basic and polar, at codon 1155 of the APC protein (p.Glu1155Lys). This variant is present in population databases (rs774847322, gnomAD 0.003%). This variant has not been reported in the literature in individuals affected with APC-related conditions. ClinVar contains an entry for this variant (Variation ID: 489439). Advanced modeling of protein sequence and biophysical properties (such as structural, functional, and spatial information, amino acid conservation, physicochemical variation, residue mobility, and thermodynamic stability) performed at Invitae indicates that this missense variant is not expected to disrupt APC protein function with a negative predictive value of 95%. In summary, the available evidence is currently insufficient to determine the role of this variant in disease. Therefore, it has been classified as a Variant of Uncertain Significance.

Color Diagnostics, LLC DBA Color Health
Classification: Uncertain significance for Hereditary cancer-predisposing syndrome. Last evaluated: 2023-10-03. Review status: criteria provided, single submitter. Criteria: ACMG Guidelines, 2015. Collection method: clinical testing. Allele origin: germline.
Comment: This missense variant replaces glutamic acid with lysine at codon 1155 of the APC protein. Computational prediction is inconclusive regarding the impact of this variant on protein structure and function (internally defined REVEL score threshold 0.5 < inconclusive < 0.7, PMID: 27666373). To our knowledge, functional studies have not been reported for this variant. This variant has not been reported in individuals affected with APC-related disorders in the literature. This variant has been identified in 2/250466 chromosomes in the general population by the Genome Aggregation Database (gnomAD). The available evidence is insufficient to determine the role of this variant in disease conclusively. Therefore, this variant is classified as a Variant of Uncertain Significance.

NM_000038.6(APC):c.3463G>A (p.Glu1155Lys)

Gene: APC (APC regulator of Wnt signaling pathway; plus strand). Cytogenetic location: 5q22.2.
Variant type: single nucleotide variant.
Coding change: c.3463G>A on transcript NM_000038.6 (MANE Select); coding-DNA position 3463, G replaced by A.
Protein change: p.Glu1155Lys; replaces glutamic acid 1155 with lysine.
Molecular consequence: missense variant.
Genome position (GRCh38, 1-based): chr5:112,839,057, G>A. VCF-style: chr5-112839057-G-A. GRCh37 (hg19) VCF-style: chr5-112174754-G-A.
Other names: c.3463G>A, p.Glu1155Lys (NM_001127510.3, NM_001354895.2); c.3409G>A, p.Glu1137Lys (NM_001127511.3); c.3517G>A, p.Glu1173Lys (NM_001354896.2); c.3493G>A, p.Glu1165Lys (NM_001354897.2); c.3388G>A, p.Glu1130Lys (NM_001354898.2); c.3379G>A, p.Glu1127Lys (NM_001354899.2); c.3340G>A, p.Glu1114Lys (NM_001354900.2); c.3286G>A, p.Glu1096Lys (NM_001354901.2); and 5 more; short protein forms E1137K, E1155K, E1130K, E995K, E1029K, E1096K, E1127K, E1054K.
Identifiers: ClinVar variation 489439 (VCV000489439.18), dbSNP rs774847322, ClinGen allele CA035454.
Genomic context (GRCh38, chr5:112,839,057, plus strand): 5'-TATGAAGATGATAAGCCTACCAATTATAGTGAACGTTACTCTGAAGAAGAACAGCATGAA[G>A]AAGAAGAGAGACCAACAAATTATAGCATAAAATATAATGAAGAGAAACGTCATGTGGATC-3'
Protein context (NP_000029.2, residues 1145-1165): ERYSEEEQHE[Glu1155Lys]EERPTNYSIK